The following is an entry in ClinVar:

NM_194454.3(KRIT1):c.1810G>T (p.Glu604Ter)

Gene: KRIT1 (KRIT1 ankyrin repeat containing; minus strand). Cytogenetic location: 7q21.2.
Variant type: single nucleotide variant.
Coding change: c.1810G>T on transcript NM_194454.3 (MANE Select); coding-DNA position 1810, G replaced by T.
Protein change: p.Glu604Ter; replaces glutamic acid 604 with a stop codon.
Molecular consequence: nonsense.
Genome position (GRCh38, 1-based): chr7:92,213,900, C>A on the plus strand (G>T on the coding strand, the complement: KRIT1 is on the minus strand). VCF-style: chr7-92213900-C-A. GRCh37 (hg19) VCF-style: chr7-91843214-C-A.
Other names: c.1666G>T, p.Glu556Ter (NM_001013406.2, NM_001350669.1, NM_001350670.1); c.1096G>T, p.Glu366Ter (NM_001350671.1); c.1810G>T, p.Glu604Ter (NM_001350672.1, NM_001350673.1, NM_001350674.1 and 26 more transcripts); short protein forms E604*, E366*, E556*.
Identifiers: ClinVar variation 3663586 (VCV003663586.2).

ClinVar aggregate classification (germline): Pathogenic (1 of 4 stars; one submission).

Conditions:
Cerebral cavernous malformation (CCM). Also called: Cerebral cavernous hemangioma (type); Cerebral cavernous malformations; CAVERNOUS ANGIOMA, FAMILIAL; CAVERNOUS ANGIOMATOUS MALFORMATIONS; CEREBRAL CAPILLARY MALFORMATIONS; Cavernous Hemangioma of Brain. Identifiers: Orphanet 221061, MedGen C2919945, MONDO:0000820, OMIM 116860, HP:0033522.

Submission:

Labcorp Genetics (formerly Invitae), Labcorp
Classification: Pathogenic for Cerebral cavernous malformation. Last evaluated: 2024-08-27. Review status: criteria provided, single submitter. Criteria: Invitae Variant Classification Sherloc (09022015). Collection method: clinical testing. Allele origin: germline.
Comment: This sequence change creates a premature translational stop signal (p.Glu604*) in the KRIT1 gene. It is expected to result in an absent or disrupted protein product. Loss-of-function variants in KRIT1 are known to be pathogenic (PMID: 10508515, 11222804, 12404106, 24689081). This variant is not present in population databases (gnomAD no frequency). This variant has not been reported in the literature in individuals affected with KRIT1-related conditions. Algorithms developed to predict the effect of sequence changes on RNA splicing suggest that this variant may disrupt the consensus splice site. For these reasons, this variant has been classified as Pathogenic.

Literature cited by the submitters: PubMed 10508515; PubMed 11222804; PubMed 12404106; PubMed 24689081.